The following is an entry in ClinVar:

ClinVar aggregate classification (germline): Uncertain significance (1 of 4 stars; one submission).

Submission:

Ambry Genetics
Classification: Uncertain significance. Last evaluated: 2023-12-10. Review status: criteria provided, single submitter. Criteria: Ambry Variant Classification Scheme 2023. Collection method: clinical testing. Allele origin: germline.
Comment: The p.S403C variant (also known as c.1208C>G), located in coding exon 7 of the PKP4 gene, results from a C to G substitution at nucleotide position 1208. The serine at codon 403 is replaced by cysteine, an amino acid with dissimilar properties. This amino acid position is conserved. In addition, the in silico prediction for this alteration is inconclusive. Since supporting evidence is limited at this time, the clinical significance of this alteration remains unclear.

NM_003628.6(PKP4):c.1208C>G (p.Ser403Cys)

Gene: PKP4 (plakophilin 4; plus strand). Cytogenetic location: 2q24.1.
Variant type: single nucleotide variant.
Coding change: c.1208C>G on transcript NM_003628.6 (MANE Select); coding-DNA position 1208, C replaced by G.
Protein change: p.Ser403Cys; replaces serine 403 with cysteine.
Molecular consequence: missense variant.
Genome position (GRCh38, 1-based): chr2:158,631,807, C>G. VCF-style: chr2-158631807-C-G. GRCh37 (hg19) VCF-style: chr2-159488319-C-G.
Other names: c.1208C>G, p.Ser403Cys (NM_001005476.4, NM_001304969.3, NM_001304971.2 and 6 more transcripts); c.182C>G, p.Ser61Cys (NM_001304970.3); c.1202C>G, p.Ser401Cys (NM_001377222.1, NM_001377223.1, NM_001377224.1); short protein forms S401C, S403C, S61C.
Identifiers: ClinVar variation 3223485 (VCV003223485.1), dbSNP rs765666504, ClinGen allele CA58654404.
Genomic context (GRCh38, chr2:158,631,807, plus strand): 5'-CTCTAGGCTTACGGAGTTCCTATGCTAGTCAGCATAGTCAGCTTGGGCAAGACCTTCGTT[C>G]TGCCGTGTCTCCCGACTTGCACATTACTCCTATATATGAGGGGAGGACCTATTACAGCCC-3'
Protein context (NP_003619.2, residues 393-413): QHSQLGQDLR[Ser403Cys]AVSPDLHITP